The following is an entry in ClinVar:

NM_022153.2(VSIR):c.694C>T (p.Arg232Trp)

Genes: CDH23 (cadherin related 23; plus strand), VSIR (V-set immunoregulatory receptor; minus strand). Cytogenetic location: 10q22.1.
Variant type: single nucleotide variant.
Coding change: c.694C>T on transcript NM_022153.2 (MANE Select); coding-DNA position 694, C replaced by T.
Protein change: p.Arg232Trp; replaces arginine 232 with tryptophan.
Molecular consequence: missense variant. On other transcripts: intron variant (1).
Genome position (GRCh38, 1-based): chr10:71,752,985, G>A on the plus strand (C>T on the coding strand, the complement: VSIR is on the minus strand). VCF-style: chr10-71752985-G-A. GRCh37 (hg19) VCF-style: chr10-73512742-G-A.
Other names: c.4845+11064G>A (NM_022124.6); short protein forms R232W.
Identifiers: ClinVar variation 931440 (VCV000931440.3), dbSNP rs143020453, ClinGen allele CA5545294.

ClinVar aggregate classification (germline): Uncertain significance (1 of 4 stars; one submission).

Allele frequency attached by ClinVar (database versions not stated): TOPMed 0.00016; gnomAD 0.00017 and 0.00019; ESP Exome Variant Server 0.00023; 1000 Genomes Project 30x 0.00031; 1000 Genomes Project 0.00040.
gnomAD v4.1: 330 of 1,612,692 alleles (0.02%); highest among the groups gnomAD compares: Middle Eastern, 0.21%; 2 homozygotes.

Submission:

Centre for Mendelian Genomics, University Medical Centre Ljubljana
Classification: Uncertain significance. Last evaluated: 2019-05-07. Review status: criteria provided, single submitter. Criteria: ACMG Guidelines, 2015. Collection method: clinical testing. Allele origin: unknown. Affected: yes.
Comment: This variant was classified as: Uncertain significance. The available evidence on this variant's pathogenicity is insufficient or conflicting. The following ACMG criteria were applied in classifying this variant: PP3.